The following is an entry in ClinVar:

ClinVar aggregate classification (germline): Uncertain significance (1 of 4 stars; one submission).

Submission:

Labcorp Genetics (formerly Invitae), Labcorp
Classification: Uncertain significance. Last evaluated: 2024-11-09. Review status: criteria provided, single submitter. Criteria: Invitae Variant Classification Sherloc (09022015). Collection method: clinical testing. Allele origin: germline.
Comment: This sequence change replaces asparagine, which is neutral and polar, with aspartic acid, which is acidic and polar, at codon 224 of the CD40 protein (p.Asn224Asp). This variant is not present in population databases (gnomAD no frequency). This variant has not been reported in the literature in individuals affected with CD40-related conditions. Invitae Evidence Modeling of protein sequence and biophysical properties (such as structural, functional, and spatial information, amino acid conservation, physicochemical variation, residue mobility, and thermodynamic stability) indicates that this missense variant is not expected to disrupt CD40 protein function with a negative predictive value of 80%. In summary, the available evidence is currently insufficient to determine the role of this variant in disease. Therefore, it has been classified as a Variant of Uncertain Significance.

NM_001250.6(CD40):c.670A>G (p.Asn224Asp)

Gene: CD40 (CD40 molecule; plus strand). Cytogenetic location: 20q13.12.
Variant type: single nucleotide variant.
Coding change: c.670A>G on transcript NM_001250.6 (MANE Select); coding-DNA position 670, A replaced by G.
Protein change: p.Asn224Asp; replaces asparagine 224 with aspartic acid.
Molecular consequence: missense variant. On other transcripts: non-coding transcript variant (2).
Genome position (GRCh38, 1-based): chr20:46,128,353, A>G. VCF-style: chr20-46128353-A-G. GRCh37 (hg19) VCF-style: chr20-44756992-A-G.
Other names: c.665A>G, p.Gln222Arg (NM_001362758.2); c.526A>G, p.Asn176Asp (NM_001424339.1); c.608A>G, p.Gln203Arg (NM_152854.4); c.710A>G, p.Gln237Arg (NM_001302753.2); c.682A>G, p.Asn228Asp (NM_001322421.2); c.514A>G, p.Asn172Asp (NM_001322422.2); short protein forms N172D, N176D, N224D, N228D, Q203R, Q222R, Q237R.
Identifiers: ClinVar variation 3614591 (VCV003614591.2).